The following is an entry in ClinVar:

NM_006514.4(SCN10A):c.232C>G (p.Pro78Ala)

Gene: SCN10A (sodium voltage-gated channel alpha subunit 10; minus strand). Cytogenetic location: 3p22.2.
Variant type: single nucleotide variant.
Coding change: c.232C>G on transcript NM_006514.4 (MANE Select); coding-DNA position 232, C replaced by G.
Protein change: p.Pro78Ala; replaces proline 78 with alanine.
Molecular consequence: missense variant.
Genome position (GRCh38, 1-based): chr3:38,793,779, G>C on the plus strand (C>G on the coding strand, the complement: SCN10A is on the minus strand). VCF-style: chr3-38793779-G-C. GRCh37 (hg19) VCF-style: chr3-38835270-G-C.
Other names: c.232C>G, p.Pro78Ala (NM_001293306.2, NM_001293307.2); short protein forms P78A.
Identifiers: ClinVar variation 1789693 (VCV001789693.8), dbSNP rs753292241, ClinGen allele CA2321277.

ClinVar aggregate classification (germline): Uncertain significance. Review status: criteria provided, multiple submitters, no conflicts (2 of 4 stars). 2 submissions from 2 submitters: Uncertain significance (2). Last evaluated 2025-11-25.

Conditions:
Brugada syndrome. Also called: Sudden unexpected nocturnal death syndrome; Sudden unexplained nocturnal death syndrome; Sudden Unexplained Death Syndrome; Sudden Unexplained Nocturnal Death Syndrome (SUNDS). Identifiers: Orphanet 130, MedGen C1142166, MONDO:0015263.
Cardiovascular phenotype. Identifiers: MedGen CN230736.

gnomAD v4.1: 12 of 1,613,818 alleles (0.00074%); highest among the groups gnomAD compares: Non-Finnish European, 0.00093%; no homozygotes.

Submissions (2):

Ambry Genetics
Classification: Uncertain significance for Cardiovascular phenotype. Last evaluated: 2025-11-25. Review status: criteria provided, single submitter. Criteria: Ambry Variant Classification Scheme 2023. Collection method: clinical testing. Allele origin: germline.

Labcorp Genetics (formerly Invitae), Labcorp
Classification: Uncertain significance for Brugada syndrome. Last evaluated: 2025-03-24. Review status: criteria provided, single submitter. Criteria: Invitae Variant Classification Sherloc (09022015). Collection method: clinical testing. Allele origin: germline.
Comment: This sequence change replaces proline, which is neutral and non-polar, with alanine, which is neutral and non-polar, at codon 78 of the SCN10A protein (p.Pro78Ala). This variant is present in population databases (rs753292241, gnomAD 0.0009%). This variant has not been reported in the literature in individuals affected with SCN10A-related conditions. ClinVar contains an entry for this variant (Variation ID: 1789693). Invitae Evidence Modeling of protein sequence and biophysical properties (such as structural, functional, and spatial information, amino acid conservation, physicochemical variation, residue mobility, and thermodynamic stability) indicates that this missense variant is not expected to disrupt SCN10A protein function with a negative predictive value of 80%. In summary, the available evidence is currently insufficient to determine the role of this variant in disease. Therefore, it has been classified as a Variant of Uncertain Significance.